The following is an entry in ClinVar:

NM_014714.4(IFT140):c.1891G>A (p.Glu631Lys)

Gene: IFT140 (intraflagellar transport 140; minus strand). Cytogenetic location: 16p13.3.
Variant type: single nucleotide variant.
Coding change: c.1891G>A on transcript NM_014714.4 (MANE Select); coding-DNA position 1891, G replaced by A.
Protein change: p.Glu631Lys; replaces glutamic acid 631 with lysine.
Molecular consequence: missense variant.
Genome position (GRCh38, 1-based): chr16:1,566,171, C>T on the plus strand (G>A on the coding strand, the complement: IFT140 is on the minus strand). VCF-style: chr16-1566171-C-T. GRCh37 (hg19) VCF-style: chr16-1616172-C-T.
Other names: short protein forms E631K.
Identifiers: ClinVar variation 2063693 (VCV002063693.4), dbSNP rs777613696, ClinGen allele CA7814104.

ClinVar aggregate classification (germline): Uncertain significance (1 of 4 stars; one submission).

Conditions:
Saldino-Mainzer syndrome (SRTD9). Also called: CONORENAL SYNDROME; Renal dysplasia, retinal pigmentary dystrophy, cerebellar ataxia and skeletal dysplasia; SHORT-RIB THORACIC DYSPLASIA 9 WITHOUT POLYDACTYLY; short-rib thoracic dysplasia 9 with or without polydactyly. Identifiers: Orphanet 140969, MedGen C1849437, MONDO:0009964, OMIM 266920.

Allele frequency attached by ClinVar (database versions not stated): ExAC 0.00001.
gnomAD v4.1: 1 of 1,613,560 alleles (0.000062%); highest among the groups gnomAD compares: East Asian, 0.0022%; no homozygotes.

Submission:

Labcorp Genetics (formerly Invitae), Labcorp
Classification: Uncertain significance for Saldino-Mainzer syndrome. Last evaluated: 2022-09-06. Review status: criteria provided, single submitter. Criteria: Invitae Variant Classification Sherloc (09022015). Collection method: clinical testing. Allele origin: germline.
Comment: In summary, the available evidence is currently insufficient to determine the role of this variant in disease. Therefore, it has been classified as a Variant of Uncertain Significance. Algorithms developed to predict the effect of missense changes on protein structure and function (SIFT, PolyPhen-2, Align-GVGD) all suggest that this variant is likely to be tolerated. This variant has not been reported in the literature in individuals affected with IFT140-related conditions. This variant is present in population databases (rs777613696, gnomAD 0.01%). This sequence change replaces glutamic acid, which is acidic and polar, with lysine, which is basic and polar, at codon 631 of the IFT140 protein (p.Glu631Lys).